The following is an entry in ClinVar:

ClinVar aggregate classification (germline): Uncertain significance (1 of 4 stars; one submission).

Conditions:
Inborn genetic diseases. Identifiers: MedGen C0950123, MeSH D030342.

gnomAD v4.1: 1 of 1,613,610 alleles (0.000062%); highest among the groups gnomAD compares: Non-Finnish European, 0.000085%; no homozygotes.

Submission:

Ambry Genetics
Classification: Uncertain significance for Inborn genetic diseases. Last evaluated: 2025-08-14. Review status: criteria provided, single submitter. Criteria: Ambry Variant Classification Scheme 2023. Collection method: clinical testing. Allele origin: germline.
Comment: The p.L970F variant (also known as c.2908C>T), located in coding exon 1 of the SAMD9L gene, results from a C to T substitution at nucleotide position 2908. The leucine at codon 970 is replaced by phenylalanine, an amino acid with highly similar properties. This amino acid position is conserved. In addition, this alteration is predicted to be tolerated by in silico analysis. Based on the available evidence, the clinical significance of this variant remains unclear.

NM_152703.5(SAMD9L):c.2908C>T (p.Leu970Phe)

Gene: SAMD9L (sterile alpha motif domain containing 9 like; minus strand). Cytogenetic location: 7q21.2.
Variant type: single nucleotide variant.
Coding change: c.2908C>T on transcript NM_152703.5 (MANE Select); coding-DNA position 2908, C replaced by T.
Protein change: p.Leu970Phe; replaces leucine 970 with phenylalanine.
Molecular consequence: missense variant.
Genome position (GRCh38, 1-based): chr7:93,133,064, G>A on the plus strand (C>T on the coding strand, the complement: SAMD9L is on the minus strand). VCF-style: chr7-93133064-G-A. GRCh37 (hg19) VCF-style: chr7-92762377-G-A.
Other names: c.2908C>T, p.Leu970Phe (NM_001303496.3, NM_001303497.3, NM_001303498.3 and 5 more transcripts); short protein forms L970F.
Identifiers: ClinVar variation 4159398 (VCV004159398.1).